The following is an entry in ClinVar:

ClinVar aggregate classification (germline): Likely benign (0 of 4 stars; one submission).

Conditions:
TCOF1-related disorder. Also called: TCOF1-related condition.

Allele frequency attached by ClinVar (database versions not stated): 1000 Genomes Project 30x 0.00031; 1000 Genomes Project 0.00040; ExAC 0.00002; gnomAD exomes 0.00002; TOPMed 0.00004; gnomAD 0.00007; ESP Exome Variant Server 0.00008.
gnomAD v4.1: 36 of 1,614,234 alleles (0.0022%); highest among the groups gnomAD compares: African/African-American, 0.017%; no homozygotes.

Submission:

PreventionGenetics, part of Exact Sciences
Classification: Likely benign for TCOF1-related condition. Last evaluated: 2021-11-10. Review status: no assertion criteria provided. Collection method: clinical testing. Allele origin: germline.
Comment: This variant is classified as likely benign based on ACMG/AMP sequence variant interpretation guidelines (Richards et al. 2015 PMID: 25741868, with internal and published modifications).

NM_001371623.1(TCOF1):c.714G>A (p.Ala238=)

Gene: TCOF1 (treacle ribosome biogenesis factor 1; plus strand). Cytogenetic location: 5q32.
Variant type: single nucleotide variant.
Coding change: c.714G>A on transcript NM_001371623.1 (MANE Select); coding-DNA position 714, G replaced by A.
Protein change: p.Ala238=; no amino-acid change (alanine 238 retained).
Molecular consequence: synonymous variant. On other transcripts: intron variant (2).
Genome position (GRCh38, 1-based): chr5:150,372,080, G>A. VCF-style: chr5-150372080-G-A. GRCh37 (hg19) VCF-style: chr5-149751643-G-A.
Other names: c.714G>A, p.Ala238= (NM_001008657.3, NM_001135243.2, NM_001135244.2 and 1 more transcripts); c.640-2094G>A (NM_001135245.2, NM_000356.4).
Identifiers: ClinVar variation 3057326 (VCV003057326.2), dbSNP rs147186583, ClinGen allele CA3510651.